The following is an entry in ClinVar:

NM_000059.4(BRCA2):c.5194C>A (p.Leu1732Ile)

Gene: BRCA2 (BRCA2 DNA repair associated; plus strand). Cytogenetic location: 13q13.1.
Variant type: single nucleotide variant.
Coding change: c.5194C>A on transcript NM_000059.4 (MANE Select); coding-DNA position 5194, C replaced by A.
Protein change: p.Leu1732Ile; replaces leucine 1732 with isoleucine.
Molecular consequence: missense variant.
Genome position (GRCh38, 1-based): chr13:32,339,549, C>A. VCF-style: chr13-32339549-C-A. GRCh37 (hg19) VCF-style: chr13-32913686-C-A.
Other names: c.5194C>A, p.Leu1732Ile (NM_001406719.1, NM_001406720.1); short protein forms L1732I.
Identifiers: ClinVar variation 2002613 (VCV002002613.6), dbSNP rs2137514913, ClinGen allele CA387784580.

ClinVar aggregate classification (germline): Conflicting classifications of pathogenicity. Review status: criteria provided, conflicting classifications (1 of 4 stars). 2 submissions from 2 submitters: Uncertain significance (1); Likely benign (1). Last evaluated 2023-03-23.

Conditions:
Hereditary breast ovarian cancer syndrome. Also called: BRCA1- and BRCA2-Associated Hereditary Breast and Ovarian Cancer; Hereditary breast and ovarian cancer syndrome (HBOC); Hereditary breast and/or ovarian cancer syndrome; Hereditary breast and ovarian cancer; Breast and ovarian cancer; Hereditary breast and ovarian cancer syndrome. Identifiers: Orphanet 145, MedGen C0677776, MeSH D061325, MONDO:0003582. Disease mechanism: loss of function.
Hereditary cancer-predisposing syndrome. Also called: Hereditary neoplastic syndrome; Hereditary Cancer Syndrome; Tumor predisposition; Neoplastic Syndromes, Hereditary. Identifiers: Orphanet 140162, MedGen C0027672, MeSH D009386, MONDO:0015356.

Submissions (2):

University of Washington Department of Laboratory Medicine, University of Washington
Classification: Likely benign for Hereditary cancer-predisposing syndrome. Last evaluated: 2023-03-23. Review status: criteria provided, single submitter. Criteria: Dines et al. (Genet Med. 2020). Collection method: curation. Allele origin: germline.
Comment: Missense variant in a coldspot region where missense variants are very unlikely to be pathogenic (PMID:31911673).

BRCA2 exon 11 coldspot. Reclassification based on statistical prior probability.

Labcorp Genetics (formerly Invitae), Labcorp
Classification: Uncertain significance for Hereditary breast ovarian cancer syndrome. Last evaluated: 2022-06-07. Review status: criteria provided, single submitter. Criteria: Invitae Variant Classification Sherloc (09022015). Collection method: clinical testing. Allele origin: germline.
Comment: This sequence change replaces leucine, which is neutral and non-polar, with isoleucine, which is neutral and non-polar, at codon 1732 of the BRCA2 protein (p.Leu1732Ile). This variant is not present in population databases (gnomAD no frequency). This variant has not been reported in the literature in individuals affected with BRCA2-related conditions. Advanced modeling of protein sequence and biophysical properties (such as structural, functional, and spatial information, amino acid conservation, physicochemical variation, residue mobility, and thermodynamic stability) performed at Invitae indicates that this missense variant is not expected to disrupt BRCA2 protein function. In summary, the available evidence is currently insufficient to determine the role of this variant in disease. Therefore, it has been classified as a Variant of Uncertain Significance.